The following is an entry in ClinVar:

NM_024649.5(BBS1):c.591+10C>T

Gene: BBS1 (Bardet-Biedl syndrome 1; plus strand). Cytogenetic location: 11q13.2.
Variant type: single nucleotide variant.
Coding change: c.591+10C>T on transcript NM_024649.5 (MANE Select); 10 bases into the intron after coding-DNA position 591, C replaced by T.
Molecular consequence: intron variant.
Genome position (GRCh38, 1-based): chr11:66,515,943, C>T. VCF-style: chr11-66515943-C-T. GRCh37 (hg19) VCF-style: chr11-66283414-C-T.
Other names: c.591+10C>T (NM_024649.4).
Identifiers: ClinVar variation 2164886 (VCV002164886.5), dbSNP rs2134774008, ClinGen allele CA2580084555.

ClinVar aggregate classification (germline): Likely benign. Review status: criteria provided, multiple submitters, no conflicts (2 of 4 stars). 2 submissions from 2 submitters: Likely benign (2). Last evaluated 2026-05-22.

Conditions:
BBS1-related disorder. Also called: BBS1-related condition.
Bardet-Biedl syndrome (BBS). Identifiers: Orphanet 110, MedGen C0752166, MONDO:0015229.

Allele frequency attached by ClinVar (database versions not stated): gnomAD exomes below 0.00001.
gnomAD v4.1: 1 of 1,613,792 alleles (0.000062%); highest among the groups gnomAD compares: Admixed American, 0.0017%; no homozygotes.

Submissions (2):

PreventionGenetics, part of Exact Sciences
Classification: Likely benign for BBS1-related condition. Last evaluated: 2026-05-22. Review status: criteria provided, single submitter. Criteria: ACMG Guidelines, 2015. Collection method: clinical testing. Allele origin: germline.
Comment: This variant is classified as likely benign based on ACMG/AMP sequence variant interpretation guidelines (Richards et al. 2015 PMID: 25741868, with internal and published modifications).

Labcorp Genetics (formerly Invitae), Labcorp
Classification: Likely benign for Bardet-Biedl syndrome. Last evaluated: 2024-11-27. Review status: criteria provided, single submitter. Criteria: Invitae Variant Classification Sherloc (09022015). Collection method: clinical testing. Allele origin: germline.